The following is an entry in ClinVar:

NM_004415.4(DSP):c.1938C>T (p.Cys646=)

Gene: DSP (desmoplakin; plus strand). Cytogenetic location: 6p24.3.
Variant type: single nucleotide variant.
Coding change: c.1938C>T on transcript NM_004415.4 (MANE Select); coding-DNA position 1938, C replaced by T.
Protein change: p.Cys646=; no amino-acid change (cysteine 646 retained).
Molecular consequence: synonymous variant.
Genome position (GRCh38, 1-based): chr6:7,571,876, C>T. VCF-style: chr6-7571876-C-T. GRCh37 (hg19) VCF-style: chr6-7572109-C-T.
Other names: c.1938C>T, p.Cys646= (NM_001008844.3, NM_001319034.2).
Identifiers: ClinVar variation 922414 (VCV000922414.9), dbSNP rs1759064440, ClinGen allele CA448713940.

ClinVar aggregate classification (germline): Likely benign. Review status: criteria provided, multiple submitters, no conflicts (2 of 4 stars). 4 submissions from 4 submitters: Likely benign (4). Last evaluated 2023-04-03.

Conditions:
Arrhythmogenic right ventricular dysplasia 8 (ARVD8). Also called: Arrhythmogenic Right Ventricular Dysplasia/Cardiomyopathy 8; ARRHYTHMOGENIC RIGHT VENTRICULAR DYSPLASIA, FAMILIAL, 8; ARRHYTHMOGENIC RIGHT VENTRICULAR CARDIOMYOPATHY 8. Identifiers: MedGen C1843896, MONDO:0011831, OMIM 607450.
Arrhythmogenic cardiomyopathy with wooly hair and keratoderma. Also called: PALMOPLANTAR KERATODERMA WITH LEFT VENTRICULAR CARDIOMYOPATHY AND WOOLLY HAIR; Carvajal syndrome; Dilated cardiomyopathy with woolly hair and keratoderma; Arrhythmogenic cardiomyopathy with woolly hair and keratoderma. Identifiers: Orphanet 65282, MedGen C1854063, MONDO:0011581, OMIM 605676.
Cardiomyopathy (CMYO). Also called: Cardiomyopathies. Identifiers: Orphanet 167848, MedGen C0878544, MONDO:0004994, HP:0001638. Inheritance: Various modes of inheritance.
Cardiovascular phenotype. Identifiers: MedGen CN230736.

Submissions (4):

All of Us Research Program, National Institutes of Health
Classification: Likely benign for Arrhythmogenic cardiomyopathy with wooly hair and keratoderma. Last evaluated: 2023-04-03. Review status: criteria provided, single submitter. Criteria: ACMG Guidelines, 2015. Collection method: clinical testing. Allele origin: germline. Inheritance: Autosomal dominant inheritance. Observed: 1 variant allele, 1 heterozygote.
Comment: This study involves interpretation of variants in research participants for the purpose of population health screening. Participant phenotype was not available at the time of variant classification. Additional details can be found in publication PMID: 35346344, PMCID: PMC8962531

Ambry Genetics
Classification: Likely benign for Cardiovascular phenotype. Last evaluated: 2023-01-16. Review status: criteria provided, single submitter. Criteria: Ambry Variant Classification Scheme 2023. Collection method: clinical testing. Allele origin: germline.

Labcorp Genetics (formerly Invitae), Labcorp
Classification: Likely benign for Arrhythmogenic cardiomyopathy with wooly hair and keratoderma; Arrhythmogenic right ventricular dysplasia 8. Last evaluated: 2022-02-21. Review status: criteria provided, single submitter. Criteria: Invitae Variant Classification Sherloc (09022015). Collection method: clinical testing. Allele origin: germline.

Color Diagnostics, LLC DBA Color Health
Classification: Likely benign for Cardiomyopathy. Last evaluated: 2020-01-09. Review status: criteria provided, single submitter. Criteria: ACMG Guidelines, 2015. Collection method: clinical testing. Allele origin: germline.